The following is an entry in ClinVar:

NM_016734.3(PAX5):c.409A>T (p.Arg137Trp)

Gene: PAX5 (paired box 5; minus strand). Cytogenetic location: 9p13.2.
Variant type: single nucleotide variant.
Coding change: c.409A>T on transcript NM_016734.3 (MANE Select); coding-DNA position 409, A replaced by T.
Protein change: p.Arg137Trp; replaces arginine 137 with tryptophan.
Molecular consequence: missense variant. On other transcripts: non-coding transcript variant (2), intron variant (1).
Genome position (GRCh38, 1-based): chr9:37,014,998, T>A on the plus strand (A>T on the coding strand, the complement: PAX5 is on the minus strand). VCF-style: chr9-37014998-T-A. GRCh37 (hg19) VCF-style: chr9-37014995-T-A.
Other names: c.409A>T, p.Arg137Trp (NM_001280547.2, NM_001280548.2, NM_001280549.2 and 4 more transcripts); c.85A>T, p.Arg29Trp (NM_001280551.2, NM_001280556.2); c.212+5638A>T (NM_001280555.2); short protein forms R137W, R29W.
Identifiers: ClinVar variation 3363560 (VCV003363560.1).

ClinVar aggregate classification (germline): Uncertain significance (1 of 4 stars; one submission).

Submission:

GeneDx
Classification: Uncertain significance. Last evaluated: 2023-10-27. Review status: criteria provided, single submitter. Criteria: GeneDx Variant Classification Process June 2021. Collection method: clinical testing. Allele origin: germline. Affected: yes.
Comment: Not observed at significant frequency in large population cohorts (gnomAD); In silico analysis supports that this missense variant has a deleterious effect on protein structure/function; Has not been previously published as pathogenic or benign to our knowledge